The following is an entry in ClinVar:

ClinVar aggregate classification (germline): Likely pathogenic. Review status: criteria provided, multiple submitters, no conflicts (2 of 4 stars). 4 submissions from 4 submitters: Likely pathogenic (4). Last evaluated 2025-08-28.

Conditions:
Cerebral arteriopathy, autosomal dominant, with subcortical infarcts and leukoencephalopathy, type 1 (CADASIL1). Also called: CADASIL 1; CASIL; Cerebral arteriopathy with subcortical infarcts and leukoencephalopathy 1; DEMENTIA, HEREDITARY MULTIINFARCT TYPE. Identifiers: Orphanet 136, MedGen C4551768, MONDO:0000914, OMIM 125310.
Auditory neuropathy. Identifiers: MedGen C1852271, MONDO:0021944.
NOTCH3-related disorder. Also called: NOTCH3-related condition; NOTCH3-related disorders.

Allele frequency attached by ClinVar (database versions not stated): TOPMed 0.00001.
gnomAD v4.1: 1 of 1,611,464 alleles (0.000062%); highest among the groups gnomAD compares: East Asian, 0.0022%; no homozygotes.

Submissions (4):

3billion
Classification: Likely pathogenic for Cerebral arteriopathy, autosomal dominant, with subcortical infarcts and leukoencephalopathy, type 1. Last evaluated: 2025-08-28. Review status: criteria provided, single submitter. Criteria: ACMG Guidelines, 2015. Collection method: clinical testing. Allele origin: germline. Affected: yes.
Comment: The variant is observed at an extremely low frequency in the gnomAD v4.1.0 dataset (total allele frequency: <0.001%). Predicted Consequence/Location: Missense variant. Missense changes are a common disease-causing mechanism. In silico tool predictions suggest damaging effect of the variant on gene or gene product [REVEL: 0.66 (>=0.6, sensitivity 0.68 and specificity 0.92)]. The same nucleotide change resulting in the same amino acid change has been previously reported as pathogenic/likely pathogenic with strong evidence (ClinVar ID: VCV002637069 /PMID: 24000151). Therefore, this variant is classified as Likely pathogenic according to the recommendation of ACMG/AMP guideline.

WangQJ Lab, Chinese People's Liberation Army General Hospital
Classification: Likely pathogenic for Auditory neuropathy. Last evaluated: 2023-12-22. Review status: criteria provided, single submitter. Criteria: Submitter's publication. Collection method: research. Allele origin: germline. Affected: yes. Observed: 1 variant allele.

PreventionGenetics, part of Exact Sciences
Classification: Likely pathogenic for NOTCH3-related condition. Last evaluated: 2022-09-07. Review status: criteria provided, single submitter. Criteria: ACMG Guidelines, 2015. Collection method: clinical testing. Allele origin: germline.
Comment: The NOTCH3 c.2129A>G variant is predicted to result in the amino acid substitution p.Tyr710Cys. The proband also had a NOTCH3 deletion in trans, but the authors argued that the deletion was non-contributory. This variant has not been reported in a large population database, indicating it is rare. This variant occurs in the EGF-like domain 18 and results in a Cystine substitution, a variant-type often associated with disease (Hu et al. 2021. PubMed ID: 34335700). This variant is interpreted as likely pathogenic.

Juno Genomics, Hangzhou Juno Genomics, Inc
Classification: Likely pathogenic for Cerebral arteriopathy, autosomal dominant, with subcortical infarcts and leukoencephalopathy, type 1. Review status: criteria provided, single submitter. Criteria: ACMG Guidelines, 2015. Collection method: clinical testing. Allele origin: germline.
Comment: Absent from controls (or at extremely low frequency if recessive) in Genome Aggregation Database.;Multiple lines of computational evidence support a deleterious effect on the gene or gene product.;Located in a mutational hot spot and/or critical and well-established functional domain without benign variation.;The prevalence of the variant in affected individuals is significantly increased compared to the prevalence in controls.;Patient's phenotype or family history is highly specific for a disease with a single genetic etiology.

Literature cited by the submitters: PubMed 24000151 (cited by 3billion).

NM_000435.3(NOTCH3):c.2129A>G (p.Tyr710Cys)

Gene: NOTCH3 (notch receptor 3; minus strand). Cytogenetic location: 19p13.12.
Variant type: single nucleotide variant.
Coding change: c.2129A>G on transcript NM_000435.3 (MANE Select); coding-DNA position 2129, A replaced by G.
Protein change: p.Tyr710Cys; replaces tyrosine 710 with cysteine.
Molecular consequence: missense variant.
Genome position (GRCh38, 1-based): chr19:15,185,502, T>C on the plus strand (A>G on the coding strand, the complement: NOTCH3 is on the minus strand). VCF-style: chr19-15185502-T-C. GRCh37 (hg19) VCF-style: chr19-15296313-T-C.
Other names: short protein forms Y710C.
Identifiers: ClinVar variation 2637069 (VCV002637069.5), dbSNP rs1328784046, ClinGen allele CA404522215.